The following is an entry in ClinVar:

ClinVar aggregate classification (germline): Benign (1 of 4 stars; one submission).

Allele frequency attached by ClinVar (database versions not stated): gnomAD exomes 0.23791 and 0.25707; ExAC 0.23821; 1000 Genomes Project 30x 0.24032; 1000 Genomes Project 0.24081; gnomAD 0.24909 and 0.25040; ESP Exome Variant Server 0.25747.

Submission:

GeneDx
Classification: Benign. Last evaluated: 2018-06-15. Review status: criteria provided, single submitter. Criteria: GeneDx Variant Classification (06012015). Collection method: clinical testing. Allele origin: germline. Affected: yes.
Comment: This variant is considered likely benign or benign based on one or more of the following criteria: it is a conservative change, it occurs at a poorly conserved position in the protein, it is predicted to be benign by multiple in silico algorithms, and/or has population frequency not consistent with disease.

NM_001105206.3(LAMA4):c.5207-49_5207-47dup

Gene: LAMA4 (laminin subunit alpha 4; minus strand). Cytogenetic location: 6q21.
Variant type: Duplication.
Coding change: c.5207-49_5207-47dup on transcript NM_001105206.3 (MANE Select); 49 bases into the intron before coding-DNA position 5207 through 47 bases into the intron before coding-DNA position 5207, 3 bases duplicated (ATT; older notation c.5207-49_5207-47dupATT).
Molecular consequence: intron variant.
Genome position (GRCh38, 1-based): chr6:112,114,242-112,114,244, AAT duplicated on the plus strand (ATT on the coding strand, the reverse complement: LAMA4 is on the minus strand). VCF-style (leftmost placement, unchanged base first): chr6-112114241-G-GAAT. GRCh37 (hg19) VCF-style: chr6-112435444-G-GAAT.
Other names: c.5186-49_5186-47dup (NM_002290.5, NM_001105207.3).
Identifiers: ClinVar variation 672744 (VCV000672744.1), dbSNP rs34263758, ClinGen allele CA3964784.